The following is an entry in ClinVar:

ClinVar aggregate classification (germline): Conflicting classifications of pathogenicity. Review status: criteria provided, conflicting classifications (1 of 4 stars). 2 submissions from 2 submitters: Likely pathogenic (1); Uncertain significance (1). Last evaluated 2026-08-06.

Conditions:
Fibrosis of extraocular muscles, congenital, 3A, with or without extraocular involvement. Also called: FEOM3 LOCUS; CONGENITAL FIBROSIS OF EXTRAOCULAR MUSCLES 3A. Identifiers: MedGen C2748801, MONDO:0010912, OMIM 600638.

Allele frequency attached by ClinVar (database versions not stated): TOPMed below 0.00001; gnomAD 0.00001.
gnomAD v4.1: 4 of 1,614,016 alleles (0.00025%); highest among the groups gnomAD compares: Non-Finnish European, 0.00034%; no homozygotes.

Submissions (2):

OLLIN Analises Genomicas, OLLIN
Classification: Likely pathogenic for Fibrosis of extraocular muscles, congenital, 3A, with or without extraocular involvement. Last evaluated: 2026-08-06. Review status: criteria provided, single submitter. Criteria: ACMG Guidelines 2015 PMID 25741868. Collection method: clinical testing. Allele origin: germline.
Comment: This missense variant, located in exon 4 (of 4), has been reported in ClinVar (accession VCV002095211.4) and in gnomAD with an allele frequency of 0.00025%. However, to our knowledge, it has not been reported in the scientific literature. In silico analysis predicts that this variant has a deleterious effect. This gene is constrained for missense variation. According to the currently available evidence, this variant has been classified as likely pathogenic (PM2_P, PP2, PP3_S).

Labcorp Genetics (formerly Invitae), Labcorp
Classification: Uncertain significance. Last evaluated: 2025-06-02. Review status: criteria provided, single submitter. Criteria: Invitae Variant Classification Sherloc (09022015). Collection method: clinical testing. Allele origin: germline.
Comment: This sequence change replaces glycine, which is neutral and non-polar, with serine, which is neutral and polar, at codon 308 of the TUBB3 protein (p.Gly308Ser). This variant is not present in population databases (gnomAD no frequency). This variant has not been reported in the literature in individuals affected with TUBB3-related conditions. ClinVar contains an entry for this variant (Variation ID: 2095211). Invitae Evidence Modeling of protein sequence and biophysical properties (such as structural, functional, and spatial information, amino acid conservation, physicochemical variation, residue mobility, and thermodynamic stability) indicates that this missense variant is expected to disrupt TUBB3 protein function with a positive predictive value of 80%. In summary, the available evidence is currently insufficient to determine the role of this variant in disease. Therefore, it has been classified as a Variant of Uncertain Significance.

NM_006086.4(TUBB3):c.922G>A (p.Gly308Ser)

Gene: TUBB3 (tubulin beta 3 class III; plus strand). Cytogenetic location: 16q24.3.
Variant type: single nucleotide variant.
Coding change: c.922G>A on transcript NM_006086.4 (MANE Select); coding-DNA position 922, G replaced by A.
Protein change: p.Gly308Ser; replaces glycine 308 with serine.
Molecular consequence: missense variant.
Genome position (GRCh38, 1-based): chr16:89,935,373, G>A. VCF-style: chr16-89935373-G-A. GRCh37 (hg19) VCF-style: chr16-90001781-G-A.
Other names: c.706G>A, p.Gly236Ser (NM_001197181.2); short protein forms G236S, G308S.
Identifiers: ClinVar variation 2095211 (VCV002095211.5), dbSNP rs1567765230, ClinGen allele CA397475927.
Genomic context (GRCh38, chr16:89,935,373, plus strand): 5'-GAGCTCACCCAGCAGATGTTCGATGCCAAGAACATGATGGCCGCCTGCGACCCGCGCCAC[G>A]GCCGCTACCTGACGGTGGCCACCGTGTTCCGGGGCCGCATGTCCATGAAGGAGGTGGACG-3'
Protein context (NP_006077.2, residues 298-318): NMMAACDPRH[Gly308Ser]RYLTVATVFR